The following is an entry in ClinVar:

ClinVar aggregate classification (germline): Uncertain significance (1 of 4 stars; one submission).

Submission:

GeneDx
Classification: Uncertain significance. Last evaluated: 2023-12-14. Review status: criteria provided, single submitter. Criteria: GeneDx Variant Classification Process June 2021. Collection method: clinical testing. Allele origin: germline. Affected: yes.
Comment: Not observed at significant frequency in large population cohorts (gnomAD); In silico analysis supports that this missense variant does not alter protein structure/function; Has not been previously published as pathogenic or benign to our knowledge

NM_016333.4(SRRM2):c.4894C>A (p.Leu1632Ile)

Gene: SRRM2 (serine/arginine repetitive matrix 2; plus strand). Cytogenetic location: 16p13.3.
Variant type: single nucleotide variant.
Coding change: c.4894C>A on transcript NM_016333.4 (MANE Select); coding-DNA position 4894, C replaced by A.
Protein change: p.Leu1632Ile; replaces leucine 1632 with isoleucine.
Molecular consequence: missense variant.
Genome position (GRCh38, 1-based): chr16:2,765,422, C>A. VCF-style: chr16-2765422-C-A. GRCh37 (hg19) VCF-style: chr16-2815423-C-A.
Other names: short protein forms L1632I.
Identifiers: ClinVar variation 3365595 (VCV003365595.1).